The following is an entry in ClinVar:

NM_022489.4(INF2):c.3108T>C (p.Leu1036=)

Gene: INF2 (inverted formin 2; plus strand). Cytogenetic location: 14q32.33.
Variant type: single nucleotide variant.
Coding change: c.3108T>C on transcript NM_022489.4 (MANE Select); coding-DNA position 3108, T replaced by C.
Protein change: p.Leu1036=; no amino-acid change (leucine 1036 retained).
Molecular consequence: synonymous variant.
Genome position (GRCh38, 1-based): chr14:104,714,270, T>C. VCF-style: chr14-104714270-T-C. GRCh37 (hg19) VCF-style: chr14-105180607-T-C.
Other names: p.Leu1036=; c.3108T>C, p.Leu1036= (NM_001031714.4).
Identifiers: ClinVar variation 261615 (VCV000261615.63), dbSNP rs186075307, ClinGen allele CA7373182.

ClinVar aggregate classification (germline): Benign/Likely benign. Review status: criteria provided, multiple submitters, no conflicts (2 of 4 stars). 14 submissions from 14 submitters: Benign (8); Likely benign (3). 3 of the submissions do not count toward it. Last evaluated 2026-09-01.

Conditions:
Charcot-Marie-Tooth disease dominant intermediate E. Also called: CHARCOT-MARIE-TOOTH NEUROPATHY WITH FOCAL SEGMENTAL GLOMERULONEPHRITIS. Identifiers: Orphanet 93114, MedGen C4302667, MONDO:0013758, OMIM 614455.
Focal segmental glomerulosclerosis 5 (FSGS5). Identifiers: Orphanet 656, MedGen C2750475, MONDO:0013191, OMIM 613237.
Inborn genetic diseases. Identifiers: MedGen C0950123, MeSH D030342.

Allele frequency attached by ClinVar (database versions not stated): 1000 Genomes Project 30x 0.00359; 1000 Genomes Project 0.00379; ESP Exome Variant Server 0.00424; gnomAD exomes 0.00484 and 0.00643; gnomAD 0.00518 and 0.00532; TOPMed 0.00591; ExAC 0.00700.
gnomAD v4.1: 10,075 of 1,594,960 alleles (0.63%); highest among the groups gnomAD compares: Middle Eastern, 0.78%; 42 homozygotes.

Submissions (14):

CeGaT Center for Human Genetics Tuebingen
Classification: Benign. Last evaluated: 2026-09-01. Review status: criteria provided, single submitter. Criteria: CeGaT Center For Human Genetics Tuebingen Variant Classification Criteria Version 2. Collection method: clinical testing. Allele origin: germline. Affected: yes. Observed: 39 variant alleles.
Comment: INF2: BP4, BP7, BS1, BS2

Labcorp Genetics (formerly Invitae), Labcorp
Classification: Benign for Charcot-Marie-Tooth disease dominant intermediate E; Focal segmental glomerulosclerosis 5. Last evaluated: 2026-02-02. Review status: criteria provided, single submitter. Criteria: Invitae Variant Classification Sherloc (09022015). Collection method: clinical testing. Allele origin: germline.

Mayo Clinic Laboratories, Mayo Clinic
Classification: Likely benign. Last evaluated: 2025-09-20. Review status: criteria provided, single submitter. Criteria: ACMG Guidelines, 2015. Collection method: clinical testing. Allele origin: germline. Observed: 41 variant alleles.
Comment: BS1, BP4, BP7

Blueprint Genetics
Classification: Likely benign. Last evaluated: 2024-11-26. Review status: criteria provided, single submitter. Criteria: ACMG Guidelines, 2015. Collection method: clinical testing. Allele origin: germline.

ARUP Laboratories, Molecular Genetics and Genomics, ARUP Laboratories
Classification: Benign. Last evaluated: 2023-10-06. Review status: criteria provided, single submitter. Criteria: ARUP Molecular Germline Variant Investigation Process 2024. Collection method: clinical testing. Allele origin: germline.

Ambry Genetics
Classification: Likely benign for Inborn genetic diseases. Last evaluated: 2019-07-11. Review status: criteria provided, single submitter. Criteria: Ambry Variant Classification Scheme 2023. Collection method: clinical testing. Allele origin: germline.

Athena Diagnostics
Classification: Benign. Last evaluated: 2018-11-21. Review status: criteria provided, single submitter. Criteria: Athena Diagnostics Criteria. Collection method: clinical testing. Allele origin: germline.

Illumina Laboratory Services, Illumina
Classification: Benign for Focal segmental glomerulosclerosis 5. Last evaluated: 2018-01-12. Review status: criteria provided, single submitter. Criteria: ICSL Variant Classification Criteria 13 December 2019. Collection method: clinical testing. Allele origin: germline.
Comment: This variant was observed in the ICSL laboratory as part of a predisposition screen in an ostensibly healthy population. It had not been previously curated by ICSL or reported in the Human Gene Mutation Database (HGMD: prior to June 1st, 2018), and was therefore a candidate for classification through an automated scoring system. Utilizing variant allele frequency, disease prevalence and penetrance estimates, and inheritance mode, an automated score was calculated to assess if this variant is too frequent to cause the disease. Based on the score and internal cut-off values, a variant classified as benign is not then subjected to further curation. The score for this variant resulted in a classification of benign for this disease.

GeneDx
Classification: Benign. Last evaluated: 2016-07-29. Review status: criteria provided, single submitter. Criteria: GeneDx Variant Classification (06012015). Collection method: clinical testing. Allele origin: germline. Affected: yes.
Comment: This variant is considered likely benign or benign based on one or more of the following criteria: it is a conservative change, it occurs at a poorly conserved position in the protein, it is predicted to be benign by multiple in silico algorithms, and/or has population frequency not consistent with disease.

Breakthrough Genomics
Classification: Benign. Review status: criteria provided, single submitter. Criteria: ACMG Guidelines, 2015. Collection method: not provided. Allele origin: germline. Inheritance: Autosomal dominant inheritance. Affected: yes.

PreventionGenetics, part of Exact Sciences
Classification: Benign. Review status: criteria provided, single submitter. Criteria: ACMG Guidelines, 2015. Collection method: clinical testing. Allele origin: germline.

Clinical Genetics, Academic Medical Center
Classification: Benign. Review status: no assertion criteria provided. Collection method: clinical testing. Allele origin: germline. Affected: yes. Study: VKGL Data-share Consensus. Not counted in ClinVar's aggregate classification.

Genome Diagnostics Laboratory, University Medical Center Utrecht
Classification: Benign. Review status: no assertion criteria provided. Collection method: clinical testing. Allele origin: germline. Affected: yes. Study: VKGL Data-share Consensus. Not counted in ClinVar's aggregate classification.

Joint Genome Diagnostic Labs from Nijmegen and Maastricht, Radboudumc and MUMC+
Classification: Benign. Review status: no assertion criteria provided. Collection method: clinical testing. Allele origin: germline. Affected: yes. Study: VKGL Data-share Consensus. Not counted in ClinVar's aggregate classification.

Literature cited by the submitters: PubMed 30126379 (cited by Athena Diagnostics).